The following is an entry in ClinVar:

ClinVar aggregate classification (germline): Uncertain significance (1 of 4 stars; one submission).

Conditions:
Muscular dystrophy-dystroglycanopathy (congenital with brain and eye anomalies), type A14. Also called: WALKER-WARBURG SYNDROME OR MUSCLE-EYE-BRAIN DISEASE, GMPPB-RELATED; Muscular dystrophy-dystroglycanopathy (congenital with brain and eye anomalies), type a, 14; Congenital Muscular Dystrophy-Dystroglycanopathy with Brain and Eye Anomalies Type A 14; Congenital muscular dystrophy-dystroglycanopathy with brain and eye anomalies, type A14. Identifiers: Orphanet 588, MedGen C3809216, MONDO:0014140, OMIM 615350.
Muscular dystrophy-dystroglycanopathy (congenital with impaired intellectual development), type B, 14. Also called: MUSCULAR DYSTROPHY, CONGENITAL, GMPPB-RELATED; Muscular dystrophy-dystroglycanopathy (congenital with intellectual disability), type B14; Congenital muscular dystrophy-dystroglycanopathy with mental retardation, type B14. Identifiers: MedGen C3809221, MONDO:0014141, OMIM 615351.
Autosomal recessive limb-girdle muscular dystrophy type 2T. Also called: MUSCULAR DYSTROPHY-DYSTROGLYCANOPATHY, LIMB-GIRDLE, GMPPB-RELATED; MUSCULAR DYSTROPHY, LIMB-GIRDLE, TYPE 2T; Muscular dystrophy-dystroglycanopathy (limb-girdle), type c, 14; Limb-girdle muscular dystrophy-dystroglycanopathy, type C14. Identifiers: Orphanet 363623, MedGen C4518000, MONDO:0014142, OMIM 615352.

Allele frequency attached by ClinVar (database versions not stated): ExAC 0.00002; gnomAD exomes 0.00001; TOPMed 0.00001.
gnomAD v4.1: 36 of 1,614,050 alleles (0.0022%); highest among the groups gnomAD compares: Non-Finnish European, 0.003%; no homozygotes.

Submission:

Labcorp Genetics (formerly Invitae), Labcorp
Classification: Uncertain significance for Autosomal recessive limb-girdle muscular dystrophy type 2T; Muscular dystrophy-dystroglycanopathy (congenital with brain and eye anomalies), type A14; Muscular dystrophy-dystroglycanopathy (congenital with impaired intellectual development), type B, 14. Last evaluated: 2024-05-22. Review status: criteria provided, single submitter. Criteria: Invitae Variant Classification Sherloc (09022015). Collection method: clinical testing. Allele origin: germline.
Comment: This sequence change replaces proline, which is neutral and non-polar, with arginine, which is basic and polar, at codon 199 of the GMPPB protein (p.Pro199Arg). This variant is present in population databases (rs765573379, gnomAD 0.002%). This variant has not been reported in the literature in individuals affected with GMPPB-related conditions. ClinVar contains an entry for this variant (Variation ID: 1018469). Advanced modeling of protein sequence and biophysical properties (such as structural, functional, and spatial information, amino acid conservation, physicochemical variation, residue mobility, and thermodynamic stability) performed at Invitae indicates that this missense variant is expected to disrupt GMPPB protein function with a positive predictive value of 80%. In summary, the available evidence is currently insufficient to determine the role of this variant in disease. Therefore, it has been classified as a Variant of Uncertain Significance.

NM_021971.4(GMPPB):c.596C>G (p.Pro199Arg)

Gene: GMPPB (GDP-mannose pyrophosphorylase B; minus strand). Cytogenetic location: 3p21.31.
Variant type: single nucleotide variant.
Coding change: c.596C>G on transcript NM_021971.4 (MANE Select); coding-DNA position 596, C replaced by G.
Protein change: p.Pro199Arg; replaces proline 199 with arginine.
Molecular consequence: missense variant.
Genome position (GRCh38, 1-based): chr3:49,722,476, G>C on the plus strand (C>G on the coding strand, the complement: GMPPB is on the minus strand). VCF-style: chr3-49722476-G-C. GRCh37 (hg19) VCF-style: chr3-49759909-G-C.
Other names: c.596C>G, p.Pro199Arg (NM_013334.4); short protein forms P199R.
Identifiers: ClinVar variation 1018469 (VCV001018469.5), dbSNP rs765573379, ClinGen allele CA2405501.
Genomic context (GRCh38, chr3:49,722,476, plus strand): 5'-GGCCTCCCTGCCTCACCCTGTAACTCCATGGCATATAGCTGCCCCTCCTTGGCCATAATG[G>C]GGAAGACCTCCTTCTCAATGGACGTAGGCTGCAGCTGTGGGAGTGGGCAGCTTGTGAGCA-3'
Protein context (NP_068806.2, residues 189-209): QPTSIEKEVF[Pro199Arg]IMAKEGQLYA